The following is an entry in ClinVar:

ClinVar aggregate classification (germline): Likely pathogenic. Review status: criteria provided, multiple submitters, no conflicts (2 of 4 stars). 2 submissions from 2 submitters: Likely pathogenic (2). Last evaluated 2025-05-06.

Conditions:
Tumor predisposition syndrome 3 (TPDS3). Also called: Glioma susceptibility 9; LONG TELOMERE SYNDROME, POT1-RELATED; POT1 Tumor Predisposition; Melanoma, cutaneous malignant, susceptibility to, 10. Identifiers: Orphanet 618, MedGen C4014476, MONDO:0014368, OMIM 615848.

Submissions (2):

Department of Clinical Genetics, Copenhagen University Hospital, Rigshospitalet
Classification: Likely pathogenic for Tumor predisposition syndrome 3. Last evaluated: 2025-05-06. Review status: criteria provided, single submitter. Criteria: ACMG Guidelines, 2015. Collection method: clinical testing. Allele origin: germline.
Comment: The following ACMG criteria has been used: PM2_SUP; PVS1; PS3 (long telomers)

Center for Genomic Medicine, Rigshospitalet, Copenhagen University Hospital
Classification: Likely pathogenic. Last evaluated: 2025-03-04. Review status: criteria provided, single submitter. Criteria: ACMG Guidelines, 2015. Collection method: clinical testing. Allele origin: germline.

NM_015450.3(POT1):c.707del (p.Gly236fs)

Gene: POT1 (protection of telomeres 1; minus strand). Cytogenetic location: 7q31.33.
Variant type: Deletion.
Coding change: c.707del on transcript NM_015450.3 (MANE Select); coding-DNA position 707, one base deleted (G; older notation c.707delG).
Protein change: p.Gly236fs; shifts the reading frame from glycine 236.
Molecular consequence: frameshift variant. On other transcripts: non-coding transcript variant (3).
Genome position (GRCh38, 1-based): chr7:124,853,134, C deleted on the plus strand (G on the coding strand, the reverse complement: POT1 is on the minus strand); the first of 2 consecutive C bases (chr7:124,853,134-124,853,135); deleting either gives the same sequence. VCF-style (leftmost placement, unchanged base first): chr7-124853133-TC-T. GRCh37 (hg19) VCF-style: chr7-124493187-TC-T.
Other names: c.707delG (NM_015450.3); c.314del, p.Gly105fs (NM_001042594.2); short protein forms G105fs, G236fs.
Identifiers: ClinVar variation 1697426 (VCV001697426.9), dbSNP rs2116505374, ClinGen allele CA2580076465.